The following is an entry in ClinVar:

NM_001384732.1(CPLANE1):c.570+2T>A

Gene: CPLANE1 (ciliogenesis and planar polarity effector complex subunit 1; minus strand). Cytogenetic location: 5p13.2.
Variant type: single nucleotide variant.
Coding change: c.570+2T>A on transcript NM_001384732.1 (MANE Select); the canonical splice donor site of the intron after coding-DNA position 570, T replaced by A.
Molecular consequence: splice donor variant.
Genome position (GRCh38, 1-based): chr5:37,244,373, A>T on the plus strand (T>A on the coding strand, the complement: CPLANE1 is on the minus strand). VCF-style: chr5-37244373-A-T. GRCh37 (hg19) VCF-style: chr5-37244475-A-T.
Other names: c.570+2T>A (NM_023073.4).
Identifiers: ClinVar variation 566970 (VCV000566970.8), dbSNP rs1321423759, ClinGen allele CA359521038.
Genomic context (GRCh38, chr5:37,244,373, plus strand): 5'-AGTTATACCATTACACACTCTGCTAATCTGCTTCACAGATAAGAGTCTGAGACTGATTTT[A>T]CCTCATTTTTTATAAAAACAGCATTCACTACAGCTTCTTTATCTTCGGTGGAAGGCAAGA-3'

ClinVar aggregate classification (germline): Likely pathogenic (1 of 4 stars; one submission).

Allele frequency attached by ClinVar (database versions not stated): gnomAD exomes below 0.00001 and 0.00001; TOPMed below 0.00001.
gnomAD v4.1: 2 of 1,544,374 alleles (0.00013%); highest among the groups gnomAD compares: Admixed American, 0.004%; no homozygotes.

Submission:

Labcorp Genetics (formerly Invitae), Labcorp
Classification: Likely pathogenic. Last evaluated: 2017-07-29. Review status: criteria provided, single submitter. Criteria: Invitae Variant Classification Sherloc (09022015). Collection method: clinical testing. Allele origin: germline.
Comment: This sequence change affects a donor splice site in intron 5 of the C5orf42 gene. It is expected to disrupt RNA splicing and likely results in an absent or disrupted protein product. In summary, the currently available evidence indicates that the variant is pathogenic, but additional data are needed to prove that conclusively. Therefore, this variant has been classified as Likely Pathogenic. Donor and acceptor splice site variants typically lead to a loss of protein function (PMID: 16199547), and loss-of-function variants in C5orf42 are known to be pathogenic (PMID: 22425360). This variant has not been reported in the literature in individuals with C5orf42-related disease. This variant is not present in population databases (ExAC no frequency).

Literature cited by the submitters: PubMed 16199547; PubMed 22425360.